The following is an entry in ClinVar:

NM_021830.5(TWNK):c.362G>A (p.Ser121Asn)

Gene: TWNK (twinkle mtDNA helicase; plus strand). Cytogenetic location: 10q24.31.
Variant type: single nucleotide variant.
Coding change: c.362G>A on transcript NM_021830.5 (MANE Select); coding-DNA position 362, G replaced by A.
Protein change: p.Ser121Asn; replaces serine 121 with asparagine.
Molecular consequence: missense variant. On other transcripts: non-coding transcript variant (4), intron variant (3).
Genome position (GRCh38, 1-based): chr10:100,988,572, G>A. VCF-style: chr10-100988572-G-A. GRCh37 (hg19) VCF-style: chr10-102748329-G-A.
Other names: c.362G>A, p.Ser121Asn (NM_001163812.2); c.-120+959G>A (NM_001163814.2, NM_001163813.2); c.-58+959G>A (NM_001368275.1); short protein forms S121N.
Identifiers: ClinVar variation 2786073 (VCV002786073.3), dbSNP rs2493627646, ClinGen allele CA378207091.

ClinVar aggregate classification (germline): Uncertain significance (1 of 4 stars; one submission).

Submission:

Labcorp Genetics (formerly Invitae), Labcorp
Classification: Uncertain significance. Last evaluated: 2024-08-20. Review status: criteria provided, single submitter. Criteria: Invitae Variant Classification Sherloc (09022015). Collection method: clinical testing. Allele origin: germline.
Comment: This sequence change replaces serine, which is neutral and polar, with asparagine, which is neutral and polar, at codon 121 of the TWNK protein (p.Ser121Asn). This variant is not present in population databases (gnomAD no frequency). This variant has not been reported in the literature in individuals affected with TWNK-related conditions. An algorithm developed to predict the effect of missense changes on protein structure and function outputs the following: PolyPhen-2: "Benign". The asparagine amino acid residue is found in multiple mammalian species, which suggests that this missense change does not adversely affect protein function. In summary, the available evidence is currently insufficient to determine the role of this variant in disease. Therefore, it has been classified as a Variant of Uncertain Significance.